The following is an entry in ClinVar:

ClinVar aggregate classification (germline): Uncertain significance (1 of 4 stars; one submission).

Conditions:
Cardiovascular phenotype. Identifiers: MedGen CN230736.

Allele frequency attached by ClinVar (database versions not stated): gnomAD exomes below 0.00001; gnomAD 0.00001; TOPMed 0.00001.
gnomAD v4.1: 7 of 1,613,728 alleles (0.00043%); highest among the groups gnomAD compares: Non-Finnish European, 0.00051%; no homozygotes.

Submission:

Ambry Genetics
Classification: Uncertain significance for Cardiovascular phenotype. Last evaluated: 2019-09-23. Review status: criteria provided, single submitter. Criteria: Ambry Variant Classification Scheme 2023. Collection method: clinical testing. Allele origin: germline.
Comment: The p.K31E variant (also known as c.91A>G), located in coding exon 1 of the CASQ2 gene, results from an A to G substitution at nucleotide position 91. The lysine at codon 31 is replaced by glutamic acid, an amino acid with similar properties. This amino acid position is well conserved in available vertebrate species; however, glutamic acid is the reference amino acid in other vertebrate species. In addition, this alteration is predicted to be tolerated by in silico analysis. Since supporting evidence is limited at this time, the clinical significance of this alteration remains unclear.

NM_001232.4(CASQ2):c.91A>G (p.Lys31Glu)

Gene: CASQ2 (calsequestrin 2; minus strand). Cytogenetic location: 1p13.1.
Variant type: single nucleotide variant.
Coding change: c.91A>G on transcript NM_001232.4 (MANE Select); coding-DNA position 91, A replaced by G.
Protein change: p.Lys31Glu; replaces lysine 31 with glutamic acid.
Molecular consequence: missense variant.
Genome position (GRCh38, 1-based): chr1:115,768,451, T>C on the plus strand (A>G on the coding strand, the complement: CASQ2 is on the minus strand). VCF-style: chr1-115768451-T-C. GRCh37 (hg19) VCF-style: chr1-116311072-T-C.
Other names: short protein forms K31E.
Identifiers: ClinVar variation 1766153 (VCV001766153.2), dbSNP rs1649204915, ClinGen allele CA341767280.
Genomic context (GRCh38, chr1:115,768,451, plus strand): 5'-AGTCATATTTCTTTAAAACCTGCTTGAAGTTCTTCTCGGAAAGACTTACCACTCGGTCCT[T>C]CCCATCATATGTGGGGAAATTAAGCCCCTCTTCTGCCCTGCAAGAGGACAGAAAATAAAT-3'
Protein context (NP_001223.2, residues 21-41): EGLNFPTYDG[Lys31Glu]DRVVSLSEKN